The following is an entry in ClinVar:

NM_002907.4(RECQL):c.325G>T (p.Val109Leu)

Gene: RECQL (RecQ like helicase; minus strand). Cytogenetic location: 12p12.1.
Variant type: single nucleotide variant.
Coding change: c.325G>T on transcript NM_002907.4 (MANE Select); coding-DNA position 325, G replaced by T.
Protein change: p.Val109Leu; replaces valine 109 with leucine.
Molecular consequence: missense variant.
Genome position (GRCh38, 1-based): chr12:21,490,268, C>A on the plus strand (G>T on the coding strand, the complement: RECQL is on the minus strand). VCF-style: chr12-21490268-C-A. GRCh37 (hg19) VCF-style: chr12-21643202-C-A.
Other names: c.325G>T (NM_002907.3); c.325G>T, p.Val109Leu (NM_032941.3); short protein forms V109L.
Identifiers: ClinVar variation 1941489 (VCV001941489.6), dbSNP rs200060542, ClinGen allele CA384132669.

ClinVar aggregate classification (germline): Uncertain significance. Review status: criteria provided, multiple submitters, no conflicts (2 of 4 stars). 2 submissions from 2 submitters: Uncertain significance (2). Last evaluated 2026-08-17.

gnomAD v4.1: 4 of 1,612,948 alleles (0.00025%); highest among the groups gnomAD compares: South Asian, 0.0044%; no homozygotes.

Submissions (2):

Ambry Genetics
Classification: Uncertain significance. Last evaluated: 2026-08-17. Review status: criteria provided, single submitter. Criteria: Ambry Variant Classification Scheme 2023. Collection method: clinical testing. Allele origin: germline.
Comment: The p.V109L variant (also known as c.325G>T), located in coding exon 3 of the RECQL gene, results from a G to T substitution at nucleotide position 325. The valine at codon 109 is replaced by leucine, an amino acid with highly similar properties. This amino acid position is conserved. In addition, this alteration is predicted to be tolerated by in silico analysis. Based on the available evidence, the clinical significance of this variant remains unclear.

Labcorp Genetics (formerly Invitae), Labcorp
Classification: Uncertain significance. Last evaluated: 2022-08-06. Review status: criteria provided, single submitter. Criteria: Invitae Variant Classification Sherloc (09022015). Collection method: clinical testing. Allele origin: germline.
Comment: This sequence change replaces valine, which is neutral and non-polar, with leucine, which is neutral and non-polar, at codon 109 of the RECQL protein (p.Val109Leu). This variant is not present in population databases (gnomAD no frequency). This variant has not been reported in the literature in individuals affected with RECQL-related conditions. Algorithms developed to predict the effect of missense changes on protein structure and function (SIFT, PolyPhen-2, Align-GVGD) all suggest that this variant is likely to be tolerated. In summary, the available evidence is currently insufficient to determine the role of this variant in disease. Therefore, it has been classified as a Variant of Uncertain Significance.